The following is an entry in ClinVar:

NC_000002.11:g.(?_211441050)_(211542729_?)del

Gene: CPS1 (carbamoyl-phosphate synthase 1; plus strand). Cytogenetic location: 2q34.
Variant type: Deletion.
Identifiers: ClinVar variation 1070018 (VCV001070018.3).

ClinVar aggregate classification (germline): Pathogenic (1 of 4 stars; one submission).

Conditions:
Congenital hyperammonemia, type I. Also called: Carbamoyl phosphate synthetase I deficiency disease; Carbamoyl phosphate synthetase 1 deficiency; Hyperammonemia due to carbamoyl phosphate synthetase 1 deficiency; CPS 1 deficiency; Carbamyl phosphate synthetase (CPS) deficiency; CPS I DEFICIENCY. Identifiers: Orphanet 147, MedGen C4082171, MONDO:0009376, OMIM 237300.

Submission:

Labcorp Genetics (formerly Invitae), Labcorp
Classification: Pathogenic for Congenital hyperammonemia, type I. Last evaluated: 2020-09-21. Review status: criteria provided, single submitter. Criteria: Invitae Variant Classification Sherloc (09022015). Collection method: clinical testing. Allele origin: germline.
Comment: This variant is a gross deletion of the genomic region encompassing exon(s) 3-38 of the CPS1 gene. The 5' boundary is likely confined to intron 2. The 3' end of this event is unknown as it extends through the termination codon beyond the assayed region for this gene and may encompass additional genes. While this deletion is not anticipated to result in nonsense mediated decay, it is expected to create a truncated protein product or disrupt mRNA translation. This variant has been observed in individual(s) with clinical features of carbamoyl phosphate synthetase I deficiency (Invitae). In at least one individual the data is consistent with the variant being in trans (on the opposite chromosome) from a pathogenic variant. In addition, a similar variant has been observed in the father of a proband with carbamoyl phosphate synthetase I deficiency, though the proband was not assayed for this variant directly (PMID: 20855223). This variant disrupts the p.Arg1453Trp amino acid residue in CPS1. Other variant(s) that disrupt this residue have been determined to be pathogenic (PMID: 21120950, 20578160, 21120950, 22173106). This suggests that this residue is clinically significant, and that variants that disrupt this residue are likely to be disease-causing. For these reasons, this variant has been classified as Pathogenic.

Literature cited by the submitters: PubMed 20855223; PubMed 21120950; PubMed 20578160; PubMed 22173106.